The following is an entry in ClinVar:

ClinVar aggregate classification (germline): Uncertain significance (1 of 4 stars; one submission).

Conditions:
Peutz-Jeghers syndrome (PJS). Also called: POLYPOSIS, HAMARTOMATOUS INTESTINAL; POLYPS-AND-SPOTS SYNDROME; Peutz-Jeghers polyposis; Periorificial lentiginosis syndrome. Identifiers: Orphanet 2869, MedGen C0031269, MeSH D010580, MONDO:0008280, OMIM 175200.

Submission:

Labcorp Genetics (formerly Invitae), Labcorp
Classification: Uncertain significance for Peutz-Jeghers syndrome. Last evaluated: 2023-03-06. Review status: criteria provided, single submitter. Criteria: Invitae Variant Classification Sherloc (09022015). Collection method: clinical testing. Allele origin: germline.
Comment: This sequence change replaces methionine, which is neutral and non-polar, with valine, which is neutral and non-polar, at codon 289 of the STK11 protein (p.Met289Val). This variant is not present in population databases (gnomAD no frequency). This variant has not been reported in the literature in individuals affected with STK11-related conditions. An algorithm developed to predict the effect of missense changes on protein structure and function (PolyPhen-2) suggests that this variant is likely to be disruptive. In summary, the available evidence is currently insufficient to determine the role of this variant in disease. Therefore, it has been classified as a Variant of Uncertain Significance.

NM_000455.5(STK11):c.865A>G (p.Met289Val)

Gene: STK11 (serine/threonine kinase 11; plus strand). Cytogenetic location: 19p13.3.
Variant type: single nucleotide variant.
Coding change: c.865A>G on transcript NM_000455.5 (MANE Select); coding-DNA position 865, A replaced by G.
Protein change: p.Met289Val; replaces methionine 289 with valine.
Molecular consequence: missense variant. On other transcripts: non-coding transcript variant (1).
Genome position (GRCh38, 1-based): chr19:1,221,951, A>G. VCF-style: chr19-1221951-A-G. GRCh37 (hg19) VCF-style: chr19-1221950-A-G.
Other names: c.865A>G, p.Met289Val (NM_001407255.1); short protein forms M289V.
Identifiers: ClinVar variation 2822587 (VCV002822587.3), dbSNP rs2145428612, ClinGen allele CA402951148.